The following is an entry in ClinVar:

NM_000617.3(SLC11A2):c.1576-14A>G

Gene: SLC11A2 (solute carrier family 11 member 2; minus strand). Cytogenetic location: 12q13.12.
Variant type: single nucleotide variant.
Coding change: c.1576-14A>G on transcript NM_000617.3 (MANE Select); 14 bases into the intron before coding-DNA position 1576, A replaced by G.
Molecular consequence: intron variant.
Genome position (GRCh38, 1-based): chr12:50,988,449, T>C on the plus strand (A>G on the coding strand, the complement: SLC11A2 is on the minus strand). VCF-style: chr12-50988449-T-C. GRCh37 (hg19) VCF-style: chr12-51382232-T-C.
Other names: c.1663-14A>G (NM_001379446.1, NM_001379455.1, NM_001174125.2); c.1465-14A>G (NM_001414747.1, NM_001414748.1); c.1576-14A>G (NM_001174127.2, NM_001414744.1, NM_001174126.2 and 5 more transcripts); c.1564-14A>G (NM_001379448.1, NM_001174130.2); c.1339-14A>G (NM_001414749.1, NM_001414750.1).
Identifiers: ClinVar variation 309307 (VCV000309307.27), dbSNP rs161044, ClinGen allele CA6566442.

ClinVar aggregate classification (germline): Benign/Likely benign. Review status: criteria provided, multiple submitters, no conflicts (2 of 4 stars). 7 submissions from 7 submitters: Benign (4); Likely benign (1). 2 of the submissions do not count toward it. Last evaluated 2026-02-04.

Conditions:
Microcytic anemia with liver iron overload. Also called: Anemia, hypochromic microcytic, with iron overload 1. Identifiers: Orphanet 83642, MedGen C3806153, MONDO:0008787, OMIM 206100.

Allele frequency attached by ClinVar (database versions not stated): ESP Exome Variant Server 0.89536; 1000 Genomes Project 0.89597; 1000 Genomes Project 30x 0.89756; TOPMed 0.90233; gnomAD 0.90828 and 0.90972; ExAC 0.93421; gnomAD exomes 0.93705 and 0.93825.
gnomAD v4.1: 1,507,686 of 1,613,720 alleles (93%); highest among the groups gnomAD compares: East Asian, 98%; 705,237 homozygotes.

Submissions (7):

Labcorp Genetics (formerly Invitae), Labcorp
Classification: Benign. Last evaluated: 2026-02-04. Review status: criteria provided, single submitter. Criteria: Invitae Variant Classification Sherloc (09022015). Collection method: clinical testing. Allele origin: germline.

Blueprint Genetics
Classification: Likely benign. Last evaluated: 2024-11-27. Review status: criteria provided, single submitter. Criteria: ACMG Guidelines, 2015. Collection method: clinical testing. Allele origin: germline.

Genome-Nilou Lab
Classification: Benign for Microcytic anemia with liver iron overload. Last evaluated: 2021-07-15. Review status: criteria provided, single submitter. Criteria: ACMG Guidelines, 2015. Collection method: clinical testing. Allele origin: germline. Affected: no.

Illumina Laboratory Services, Illumina
Classification: Benign for Microcytic anemia with liver iron overload. Last evaluated: 2018-01-13. Review status: criteria provided, single submitter. Criteria: ICSL Variant Classification Criteria 13 December 2019. Collection method: clinical testing. Allele origin: germline.
Comment: This variant was observed in the ICSL laboratory as part of a predisposition screen in an ostensibly healthy population. It had not been previously curated by ICSL or reported in the Human Gene Mutation Database (HGMD: prior to June 1st, 2018), and was therefore a candidate for classification through an automated scoring system. Utilizing variant allele frequency, disease prevalence and penetrance estimates, and inheritance mode, an automated score was calculated to assess if this variant is too frequent to cause the disease. Based on the score and internal cut-off values, a variant classified as benign is not then subjected to further curation. The score for this variant resulted in a classification of benign for this disease.

Breakthrough Genomics
Classification: Benign. Review status: criteria provided, single submitter. Criteria: ACMG Guidelines, 2015. Collection method: not provided. Allele origin: germline. Inheritance: Autosomal recessive inheritance. Affected: yes.

Diagnostic Laboratory, Department of Genetics, University Medical Center Groningen
Classification: Benign. Review status: no assertion criteria provided. Collection method: clinical testing. Allele origin: germline. Affected: yes. Study: VKGL Data-share Consensus. Not counted in ClinVar's aggregate classification.

Joint Genome Diagnostic Labs from Nijmegen and Maastricht, Radboudumc and MUMC+
Classification: Benign. Review status: no assertion criteria provided. Collection method: clinical testing. Allele origin: germline. Affected: yes. Study: VKGL Data-share Consensus. Not counted in ClinVar's aggregate classification.